The following is an entry in ClinVar:

ClinVar aggregate classification (germline): Benign/Likely benign. Review status: criteria provided, multiple submitters, no conflicts (2 of 4 stars). 3 submissions from 3 submitters: Benign (1); Likely benign (2). Last evaluated 2026-01-28.

Conditions:
Combined oxidative phosphorylation defect type 27. Also called: Combined oxidative phosphorylation deficiency 27. Identifiers: Orphanet 477774, MedGen C5567608, MONDO:0014728, OMIM 616672.

Allele frequency attached by ClinVar (database versions not stated): gnomAD exomes 0.00050 and 0.00119; ExAC 0.00187; gnomAD 0.00417; 1000 Genomes Project 0.00439; 1000 Genomes Project 30x 0.00468; TOPMed 0.00550; ESP Exome Variant Server 0.00561.
gnomAD v4.1: 1,559 of 1,607,676 alleles (0.097%); highest among the groups gnomAD compares: African/African-American, 1.7%; 14 homozygotes.

Submissions (3):

Labcorp Genetics (formerly Invitae), Labcorp
Classification: Benign for Combined oxidative phosphorylation defect type 27. Last evaluated: 2026-01-28. Review status: criteria provided, single submitter. Criteria: Invitae Variant Classification Sherloc (09022015). Collection method: clinical testing. Allele origin: germline.

Blueprint Genetics
Classification: Likely benign. Last evaluated: 2024-11-25. Review status: criteria provided, single submitter. Criteria: ACMG Guidelines, 2015. Collection method: clinical testing. Allele origin: germline.

GeneDx
Classification: Likely benign. Last evaluated: 2018-02-02. Review status: criteria provided, single submitter. Criteria: GeneDx Variant Classification (06012015). Collection method: clinical testing. Allele origin: germline. Affected: yes.
Comment: This variant is considered likely benign or benign based on one or more of the following criteria: it is a conservative change, it occurs at a poorly conserved position in the protein, it is predicted to be benign by multiple in silico algorithms, and/or has population frequency not consistent with disease.

NM_024537.4(CARS2):c.1417-17C>T

Gene: CARS2 (cysteinyl-tRNA synthetase 2, mitochondrial; minus strand). Cytogenetic location: 13q34.
Variant type: single nucleotide variant.
Coding change: c.1417-17C>T on transcript NM_024537.4 (MANE Select); 17 bases into the intron before coding-DNA position 1417, C replaced by T.
Molecular consequence: intron variant.
Genome position (GRCh38, 1-based): chr13:110,642,538, G>A on the plus strand (C>T on the coding strand, the complement: CARS2 is on the minus strand). VCF-style: chr13-110642538-G-A. GRCh37 (hg19) VCF-style: chr13-111294885-G-A.
Other names: c.631-17C>T (NM_001352252.2).
Identifiers: ClinVar variation 382784 (VCV000382784.10), dbSNP rs113709957, ClinGen allele CA7051669.